The following is an entry in ClinVar:

NM_000229.2(LCAT):c.781A>T (p.Ile261Phe)

Gene: LCAT (lecithin-cholesterol acyltransferase; minus strand). Cytogenetic location: 16q22.1.
Variant type: single nucleotide variant.
Coding change: c.781A>T on transcript NM_000229.2 (MANE Select); coding-DNA position 781, A replaced by T.
Protein change: p.Ile261Phe; replaces isoleucine 261 with phenylalanine.
Molecular consequence: missense variant.
Genome position (GRCh38, 1-based): chr16:67,940,446, T>A on the plus strand (A>T on the coding strand, the complement: LCAT is on the minus strand). VCF-style: chr16-67940446-T-A. GRCh37 (hg19) VCF-style: chr16-67974349-T-A.
Other names: short protein forms I261F.
Identifiers: ClinVar variation 1760758 (VCV001760758.2), dbSNP rs2544403151, ClinGen allele CA396376373.

ClinVar aggregate classification (germline): Uncertain significance (1 of 4 stars; one submission).

Conditions:
Cardiovascular phenotype. Identifiers: MedGen CN230736.

Submission:

Ambry Genetics
Classification: Uncertain significance for Cardiovascular phenotype. Last evaluated: 2022-05-24. Review status: criteria provided, single submitter. Criteria: Ambry Variant Classification Scheme 2023. Collection method: clinical testing. Allele origin: germline.
Comment: The p.I261F variant (also known as c.781A>T), located in coding exon 6 of the LCAT gene, results from an A to T substitution at nucleotide position 781. The isoleucine at codon 261 is replaced by phenylalanine, an amino acid with highly similar properties. This amino acid position is conserved. In addition, this alteration is predicted to be deleterious by in silico analysis. Since supporting evidence is limited at this time, the clinical significance of this alteration remains unclear.